The following is an entry in ClinVar:

ClinVar aggregate classification (germline): Uncertain significance (1 of 4 stars; one submission).

Conditions:
Hereditary breast ovarian cancer syndrome. Also called: BRCA1- and BRCA2-Associated Hereditary Breast and Ovarian Cancer; Hereditary breast and/or ovarian cancer syndrome; Hereditary breast and ovarian cancer; Hereditary breast and ovarian cancer syndrome (HBOC); Breast and ovarian cancer; Hereditary breast and ovarian cancer syndrome. Identifiers: Orphanet 145, MedGen C0677776, MeSH D061325, MONDO:0003582. Disease mechanism: loss of function.

Submission:

Labcorp Genetics (formerly Invitae), Labcorp
Classification: Uncertain significance for Hereditary breast ovarian cancer syndrome. Last evaluated: 2023-07-07. Review status: criteria provided, single submitter. Criteria: Invitae Variant Classification Sherloc (09022015). Collection method: clinical testing. Allele origin: germline.
Comment: This sequence change replaces leucine, which is neutral and non-polar, with phenylalanine, which is neutral and non-polar, at codon 1576 of the BRCA2 protein (p.Leu1576Phe). This variant is not present in population databases (gnomAD no frequency). This variant has not been reported in the literature in individuals affected with BRCA2-related conditions. Advanced modeling of protein sequence and biophysical properties (such as structural, functional, and spatial information, amino acid conservation, physicochemical variation, residue mobility, and thermodynamic stability) performed at Invitae indicates that this missense variant is not expected to disrupt BRCA2 protein function. In summary, the available evidence is currently insufficient to determine the role of this variant in disease. Therefore, it has been classified as a Variant of Uncertain Significance.

NM_000059.4(BRCA2):c.4726C>T (p.Leu1576Phe)

Gene: BRCA2 (BRCA2 DNA repair associated; plus strand). Cytogenetic location: 13q13.1.
Variant type: single nucleotide variant.
Coding change: c.4726C>T on transcript NM_000059.4 (MANE Select); coding-DNA position 4726, C replaced by T.
Protein change: p.Leu1576Phe; replaces leucine 1576 with phenylalanine.
Molecular consequence: missense variant. On other transcripts: non-coding transcript variant (1), intron variant (2).
Genome position (GRCh38, 1-based): chr13:32,339,081, C>T. VCF-style: chr13-32339081-C-T. GRCh37 (hg19) VCF-style: chr13-32913218-C-T.
Other names: c.4726C>T, p.Leu1576Phe (NM_001406719.1, NM_001406720.1); c.1910-5477C>T (NM_001406721.1); c.425-5477C>T (NM_001406722.1); short protein forms L1576F.
Identifiers: ClinVar variation 2736853 (VCV002736853.3), dbSNP rs758051329, ClinGen allele CA387782999.